The following is an entry in ClinVar:

ClinVar aggregate classification (germline): Benign (0 of 4 stars; one submission).

Conditions:
CD6-related disorder. Also called: CD6-related condition.

Allele frequency attached by ClinVar (database versions not stated): ExAC 0.13936; gnomAD 0.16448; 1000 Genomes Project 0.16653; 1000 Genomes Project 30x 0.16974.
gnomAD v4.1: 210,378 of 1,541,770 alleles (14%); highest among the groups gnomAD compares: African/African-American, 28%; 15,505 homozygotes.

Submission:

PreventionGenetics, part of Exact Sciences
Classification: Benign for CD6-related condition. Last evaluated: 2019-11-01. Review status: no assertion criteria provided. Collection method: clinical testing. Allele origin: germline.
Comment: This variant is classified as benign based on ACMG/AMP sequence variant interpretation guidelines (Richards et al. 2015 PMID: 25741868, with internal and published modifications).

NM_006725.5(CD6):c.771G>C (p.Ala257=)

Gene: CD6 (CD6 molecule; plus strand). Cytogenetic location: 11q12.2.
Variant type: single nucleotide variant.
Coding change: c.771G>C on transcript NM_006725.5 (MANE Select); coding-DNA position 771, G replaced by C.
Protein change: p.Ala257=; no amino-acid change (alanine 257 retained).
Molecular consequence: synonymous variant. On other transcripts: non-coding transcript variant (1).
Genome position (GRCh38, 1-based): chr11:61,008,835, G>C. VCF-style: chr11-61008835-G-C. GRCh37 (hg19) VCF-style: chr11-60776307-G-C.
Other names: c.771G>C, p.Ala257= (NM_001254750.2, NM_001254751.2).
Identifiers: ClinVar variation 3059695 (VCV003059695.2), dbSNP rs79848107, ClinGen allele CA6029982.